The following is an entry in ClinVar:

ClinVar aggregate classification (germline): Uncertain significance (1 of 4 stars; one submission).

Conditions:
Cardiovascular phenotype. Identifiers: MedGen CN230736.

Submission:

Ambry Genetics
Classification: Uncertain significance for Cardiovascular phenotype. Last evaluated: 2025-08-12. Review status: criteria provided, single submitter. Criteria: Ambry Variant Classification Scheme 2023. Collection method: clinical testing. Allele origin: germline.
Comment: The p.M178V variant (also known as c.532A>G), located in coding exon 4 of the SCN1B gene, results from an A to G substitution at nucleotide position 532. The methionine at codon 178 is replaced by valine, an amino acid with highly similar properties. This amino acid position is conserved. In addition, this alteration is predicted to be deleterious by in silico analysis. Based on the available evidence, the clinical significance of this variant remains unclear.

NM_001037.5(SCN1B):c.532A>G (p.Met178Val)

Gene: SCN1B (sodium voltage-gated channel beta subunit 1; plus strand). Cytogenetic location: 19q13.11.
Variant type: single nucleotide variant.
Coding change: c.532A>G on transcript NM_001037.5 (MANE Select); coding-DNA position 532, A replaced by G.
Protein change: p.Met178Val; replaces methionine 178 with valine.
Molecular consequence: missense variant.
Genome position (GRCh38, 1-based): chr19:35,039,200, A>G. VCF-style: chr19-35039200-A-G. GRCh37 (hg19) VCF-style: chr19-35530104-A-G.
Other names: c.433A>G, p.Met145Val (NM_001321605.2); short protein forms M145V, M178V.
Identifiers: ClinVar variation 4160590 (VCV004160590.1).